The following is an entry in ClinVar:

ClinVar aggregate classification (germline): Conflicting classifications of pathogenicity. Review status: criteria provided, conflicting classifications (1 of 4 stars). 10 submissions from 10 submitters: Uncertain significance (3); Likely benign (3). 4 of the submissions do not count toward it. Last evaluated 2026-06-01.

Conditions:
TCTN3-related disorder. Also called: TCTN3-related condition.
Joubert syndrome 18 (JBTS18). Identifiers: Orphanet 2754, MedGen C3553758, MONDO:0013896, OMIM 614815.
Orofacial-digital syndrome IV (OFD4). Also called: OFD SYNDROME WITH TIBIAL DEFECTS; OFD SYNDROME, BARAITSER-BURN TYPE; OFDS IV; ORAL-FACIAL-DIGITAL SYNDROME, TYPE IV; Orofaciodigital syndrome IV; MOHR-MAJEWSKI SYNDROME. Identifiers: Orphanet 2753, MedGen C0406727, MONDO:0009794, OMIM 258860.

Allele frequency attached by ClinVar (database versions not stated): 1000 Genomes Project 30x 0.00016; 1000 Genomes Project 0.00020; gnomAD exomes 0.00082 and 0.00115; TOPMed 0.00089; gnomAD 0.00115 and 0.00118; ExAC 0.00125.
gnomAD v4.1: 1,771 of 1,551,524 alleles (0.11%); highest among the groups gnomAD compares: Non-Finnish European, 0.14%; 3 homozygotes.

Submissions (10):

CeGaT Center for Human Genetics Tuebingen
Classification: Likely benign. Last evaluated: 2026-06-01. Review status: criteria provided, single submitter. Criteria: CeGaT Center For Human Genetics Tuebingen Variant Classification Criteria Version 2. Collection method: clinical testing. Allele origin: germline. Affected: yes. Observed: 6 variant alleles.
Comment: TCTN3: BP4

Labcorp Genetics (formerly Invitae), Labcorp
Classification: Likely benign for Joubert syndrome 18; Orofacial-digital syndrome IV. Last evaluated: 2026-02-04. Review status: criteria provided, single submitter. Criteria: Invitae Variant Classification Sherloc (09022015). Collection method: clinical testing. Allele origin: germline.

Blueprint Genetics
Classification: Likely benign. Last evaluated: 2024-11-21. Review status: criteria provided, single submitter. Criteria: ACMG Guidelines, 2015. Collection method: clinical testing. Allele origin: germline.

Institute for Clinical Genetics, University Hospital TU Dresden, University Hospital TU Dresden
Classification: Uncertain significance. Last evaluated: 2021-11-03. Review status: criteria provided, single submitter. Criteria: ACMG Guidelines, 2015. Collection method: clinical testing. Allele origin: germline.

GeneDx
Classification: Uncertain significance. Last evaluated: 2021-06-01. Review status: criteria provided, single submitter. Criteria: GeneDx Variant Classification Process June 2021. Collection method: clinical testing. Allele origin: germline. Affected: yes.
Comment: In silico analysis supports that this missense variant does not alter protein structure/function; Has not been previously published as pathogenic or benign to our knowledge; This variant is associated with the following publications: (PMID: 26582918)

Department of Pathology and Laboratory Medicine, Sinai Health System
Classification: Uncertain significance for Orofacial-digital syndrome IV; Joubert syndrome 18. Last evaluated: 2020-07-13. Review status: criteria provided, single submitter. Criteria: ACMG Guidelines, 2015. Collection method: research. Allele origin: germline.

PreventionGenetics, part of Exact Sciences
Classification: Likely benign for TCTN3-related condition. Last evaluated: 2022-11-07. Review status: no assertion criteria provided. Collection method: clinical testing. Allele origin: germline. Not counted in ClinVar's aggregate classification.
Comment: This variant is classified as likely benign based on ACMG/AMP sequence variant interpretation guidelines (Richards et al. 2015 PMID: 25741868, with internal and published modifications).

Genetic Services Laboratory, University of Chicago
Classification: Uncertain significance. Last evaluated: 2022-06-13. Review status: no assertion criteria provided. Collection method: clinical testing. Allele origin: germline. Affected: no. Not counted in ClinVar's aggregate classification.
Comment: DNA sequence analysis of the TCTN3 gene demonstrated a sequence change, c.946A>G, in exon 8 that results in an amino acid change, p.Thr316Ala. This sequence change has been described in the gnomAD database with a frequency of 0.20% in the non-Finnish European subpopulation (dbSNP rs200042949). The p.Thr316Ala change affects a moderately conserved amino acid residue located in a domain of the TCTN3 protein that is known to be functional. The p.Thr316Ala substitution appears to be benign using several in-silico pathogenicity prediction tools (SIFT, PolyPhen2, Align GVGD, REVEL). This sequence change does not appear to have been previously described in individuals with TCTN3-related disorders. Due to insufficient evidences and the lack of functional studies, the clinical significance of the p.Thr316Ala change remains unknown at this time.

Clinical Genetics DNA and cytogenetics Diagnostics Lab, Erasmus MC, Erasmus Medical Center
Classification: Likely benign. Review status: no assertion criteria provided. Collection method: clinical testing. Allele origin: germline. Affected: yes. Study: VKGL Data-share Consensus. Not counted in ClinVar's aggregate classification.

Laboratory of Diagnostic Genome Analysis, Leiden University Medical Center (LUMC)
Classification: Likely benign. Review status: no assertion criteria provided. Collection method: clinical testing. Allele origin: germline. Affected: yes. Study: VKGL Data-share Consensus. Not counted in ClinVar's aggregate classification.

NM_015631.6(TCTN3):c.946A>G (p.Thr316Ala)

Gene: TCTN3 (tectonic family member 3; minus strand). Cytogenetic location: 10q24.1.
Variant type: single nucleotide variant.
Coding change: c.946A>G on transcript NM_015631.6 (MANE Select); coding-DNA position 946, A replaced by G.
Protein change: p.Thr316Ala; replaces threonine 316 with alanine.
Molecular consequence: missense variant. On other transcripts: intron variant (1).
Genome position (GRCh38, 1-based): chr10:95,685,579, T>C on the plus strand (A>G on the coding strand, the complement: TCTN3 is on the minus strand). VCF-style: chr10-95685579-T-C. GRCh37 (hg19) VCF-style: chr10-97445336-T-C.
Other names: c.651+916A>G (NM_001143973.2); short protein forms T316A.
Identifiers: ClinVar variation 540484 (VCV000540484.47), dbSNP rs200042949, ClinGen allele CA5621010.
Genomic context (GRCh38, chr10:95,685,579, plus strand): 5'-CACACATCAGTCCAGAATCTGAGGTCAGTATCCCTACCTGAGAAACTACATTCTGACAAG[T>C]GTTTCCAGCCAACAGAGGAGCATTAGCCTGTGAGGTAAGTATTACAGGAACCTGGAACTA-3'
Protein context (NP_056446.4, residues 306-326): QANAPLLAGN[Thr316Ala]CQNVVSQVTY